The following is an entry in ClinVar:

NM_013275.6(ANKRD11):c.5231A>T (p.His1744Leu)

Gene: ANKRD11 (ankyrin repeat domain 11; minus strand). Cytogenetic location: 16q24.3.
Variant type: single nucleotide variant.
Coding change: c.5231A>T on transcript NM_013275.6 (MANE Select); coding-DNA position 5231, A replaced by T.
Protein change: p.His1744Leu; replaces histidine 1744 with leucine.
Molecular consequence: missense variant.
Genome position (GRCh38, 1-based): chr16:89,281,311, T>A on the plus strand (A>T on the coding strand, the complement: ANKRD11 is on the minus strand). VCF-style: chr16-89281311-T-A. GRCh37 (hg19) VCF-style: chr16-89347719-T-A.
Other names: c.5231A>T (NM_013275.5); c.5231A>T, p.His1744Leu (NM_001256182.2, NM_001256183.2); short protein forms H1744L.
Identifiers: ClinVar variation 1746239 (VCV001746239.11), dbSNP rs762398457, ClinGen allele CA8241900.

ClinVar aggregate classification (germline): Conflicting classifications of pathogenicity. Review status: criteria provided, conflicting classifications (1 of 4 stars). 4 submissions from 4 submitters: Uncertain significance (3); Likely benign (1). Last evaluated 2025-06-19.

Conditions:
KBG syndrome (KBGS). Also called: ANKRD11-Related KBG Syndrome. Identifiers: Orphanet 2332, MedGen C0220687, MONDO:0007846, OMIM 148050.
ANKRD11-related disorder. Also called: ANKRD11-related condition.
Inborn genetic diseases. Identifiers: MedGen C0950123, MeSH D030342.

Allele frequency attached by ClinVar (database versions not stated): gnomAD 0.00001; ExAC 0.00003; gnomAD exomes 0.00003; TOPMed 0.00004.
gnomAD v4.1: 41 of 1,613,338 alleles (0.0025%); highest among the groups gnomAD compares: Non-Finnish European, 0.0032%; no homozygotes.

Submissions (4):

PreventionGenetics, part of Exact Sciences
Classification: Uncertain significance for ANKRD11-related condition. Last evaluated: 2025-06-19. Review status: criteria provided, single submitter. Criteria: ACMG Guidelines, 2015. Collection method: clinical testing. Allele origin: germline.
Comment: The ANKRD11 c.5231A>T variant is predicted to result in the amino acid substitution p.His1744Leu. To our knowledge, this variant has not been reported in the literature. This variant is reported in 0.0062% of alleles in individuals of European (Non-Finnish) descent in gnomAD, which is likely too common for an undocumented disease-causing variant. Although we suspect that this variant may be benign, at this time, the clinical significance of this variant is uncertain due to the absence of conclusive functional and genetic evidence.

Labcorp Genetics (formerly Invitae), Labcorp
Classification: Uncertain significance for KBG syndrome. Last evaluated: 2025-03-04. Review status: criteria provided, single submitter. Criteria: Invitae Variant Classification Sherloc (09022015). Collection method: clinical testing. Allele origin: germline.
Comment: This sequence change replaces histidine, which is basic and polar, with leucine, which is neutral and non-polar, at codon 1744 of the ANKRD11 protein (p.His1744Leu). This variant is present in population databases (rs762398457, gnomAD 0.006%). This variant has not been reported in the literature in individuals affected with ANKRD11-related conditions. ClinVar contains an entry for this variant (Variation ID: 1746239). Invitae Evidence Modeling of protein sequence and biophysical properties (such as structural, functional, and spatial information, amino acid conservation, physicochemical variation, residue mobility, and thermodynamic stability) indicates that this missense variant is not expected to disrupt ANKRD11 protein function with a negative predictive value of 95%. In summary, the available evidence is currently insufficient to determine the role of this variant in disease. Therefore, it has been classified as a Variant of Uncertain Significance.

Ambry Genetics
Classification: Likely benign for Inborn genetic diseases. Last evaluated: 2021-11-02. Review status: criteria provided, single submitter. Criteria: Ambry Variant Classification Scheme 2023. Collection method: clinical testing. Allele origin: germline.

Revvity Omics, Revvity
Classification: Uncertain significance for KBG syndrome. Last evaluated: 2019-08-22. Review status: criteria provided, single submitter. Criteria: ACMG Guidelines, 2015. Collection method: clinical testing. Allele origin: germline.